The following is an entry in ClinVar:

NM_002473.6(MYH9):c.3703G>A (p.Val1235Met)

Gene: MYH9 (myosin heavy chain 9; minus strand). Cytogenetic location: 22q12.3.
Variant type: single nucleotide variant.
Coding change: c.3703G>A on transcript NM_002473.6 (MANE Select); coding-DNA position 3703, G replaced by A.
Protein change: p.Val1235Met; replaces valine 1235 with methionine.
Molecular consequence: missense variant.
Genome position (GRCh38, 1-based): chr22:36,294,226, C>T on the plus strand (G>A on the coding strand, the complement: MYH9 is on the minus strand). VCF-style: chr22-36294226-C-T. GRCh37 (hg19) VCF-style: chr22-36690272-C-T.
Other names: short protein forms V1235M.
Identifiers: ClinVar variation 2430537 (VCV002430537.2), dbSNP rs2517961393, ClinGen allele CA411386643.

ClinVar aggregate classification (germline): Uncertain significance (1 of 4 stars; one submission).

Allele frequency attached by ClinVar (database versions not stated): gnomAD exomes below 0.00001.
gnomAD v4.1: 1 of 1,614,146 alleles (0.000062%); highest among the groups gnomAD compares: South Asian, 0.0011%; no homozygotes.

Submission:

GeneDx
Classification: Uncertain significance. Last evaluated: 2023-03-13. Review status: criteria provided, single submitter. Criteria: GeneDx Variant Classification Process June 2021. Collection method: clinical testing. Allele origin: germline.
Comment: Not observed at significant frequency in large population cohorts (gnomAD); In silico analysis supports that this missense variant does not alter protein structure/function; Has not been previously published as pathogenic or benign to our knowledge